The following is an entry in ClinVar:

ClinVar aggregate classification (germline): Conflicting classifications of pathogenicity. Review status: criteria provided, conflicting classifications (1 of 4 stars). 7 submissions from 7 submitters: Likely pathogenic (1); Uncertain significance (1); Benign (1); Likely benign (3). 1 of the submissions does not count toward it. Last evaluated 2026-08-01.

Conditions:
Familial juvenile hyperuricemic nephropathy type 1 (ADTKD1). Also called: Glomerulocystic kidney disease with hyperuricemia and isosthenuria; Medullary cystic kidney disease 2; UMOD-Associated Kidney Disease; Uromodulin-associated kidney disease; Autosomal Dominant Tubulointerstitial Kidney Disease – UMOD. Identifiers: Orphanet 209886, Orphanet 34149, Orphanet 88950, MedGen C4551496, MONDO:0008073, OMIM 162000.
UMOD-related disorder. Also called: UMOD-related condition.

Allele frequency attached by ClinVar (database versions not stated): gnomAD 0.00032 and 0.00033; TOPMed 0.00036; ExAC 0.00038; ESP Exome Variant Server 0.00062.
gnomAD v4.1: 881 of 1,613,898 alleles (0.055%); highest among the groups gnomAD compares: Non-Finnish European, 0.069%; 1 homozygote.

Submissions (7):

CeGaT Center for Human Genetics Tuebingen
Classification: Likely pathogenic. Last evaluated: 2026-08-01. Review status: criteria provided, single submitter. Criteria: CeGaT Center For Human Genetics Tuebingen Variant Classification Criteria Version 2. Collection method: clinical testing. Allele origin: germline. Affected: yes. Observed: 5 variant alleles.
Comment: UMOD: PS4, PM2:Supporting, PP1, PS3:Supporting

Labcorp Genetics (formerly Invitae), Labcorp
Classification: Likely benign. Last evaluated: 2025-04-29. Review status: criteria provided, single submitter. Criteria: Invitae Variant Classification Sherloc (09022015). Collection method: clinical testing. Allele origin: germline.

Blueprint Genetics
Classification: Likely benign. Last evaluated: 2024-09-06. Review status: criteria provided, single submitter. Criteria: ACMG Guidelines, 2015. Collection method: clinical testing. Allele origin: germline.

Fulgent Genetics
Classification: Likely benign for Familial juvenile hyperuricemic nephropathy type 1. Last evaluated: 2024-01-24. Review status: criteria provided, single submitter. Criteria: ACMG Guidelines, 2015. Collection method: clinical testing. Allele origin: germline.

Mayo Clinic Laboratories, Mayo Clinic
Classification: Uncertain significance. Last evaluated: 2023-08-09. Review status: criteria provided, single submitter. Criteria: ACMG Guidelines, 2015. Collection method: clinical testing. Allele origin: germline. Observed: 1 variant allele.
Comment: PP1, PS3_moderate

Illumina Laboratory Services, Illumina
Classification: Benign for UMOD-Associated Kidney Disease. Last evaluated: 2018-01-12. Review status: criteria provided, single submitter. Criteria: ICSL Variant Classification Criteria 13 December 2019. Collection method: clinical testing. Allele origin: germline.
Comment: This variant was observed in the ICSL laboratory as part of a predisposition screen in an ostensibly healthy population. It had not been previously curated by ICSL or reported in the Human Gene Mutation Database (HGMD: prior to June 1st, 2018), and was therefore a candidate for classification through an automated scoring system. Utilizing variant allele frequency, disease prevalence and penetrance estimates, and inheritance mode, an automated score was calculated to assess if this variant is too frequent to cause the disease. Based on the score and internal cut-off values, a variant classified as benign is not then subjected to further curation. The score for this variant resulted in a classification of benign for this disease.

PreventionGenetics, part of Exact Sciences
Classification: Likely benign for UMOD-related condition. Last evaluated: 2023-01-19. Review status: no assertion criteria provided. Collection method: clinical testing. Allele origin: germline. Not counted in ClinVar's aggregate classification.
Comment: This variant is classified as likely benign based on ACMG/AMP sequence variant interpretation guidelines (Richards et al. 2015 PMID: 25741868, with internal and published modifications).

Literature cited by the submitters: PubMed 24670410 (cited by Mayo Clinic Laboratories, Mayo Clinic); PubMed 30376835 (cited by Mayo Clinic Laboratories, Mayo Clinic); PubMed 35947615 (cited by Mayo Clinic Laboratories, Mayo Clinic).

NM_003361.4(UMOD):c.184A>C (p.Thr62Pro)

Gene: UMOD (uromodulin; minus strand). Cytogenetic location: 16p12.3.
Variant type: single nucleotide variant.
Coding change: c.184A>C on transcript NM_003361.4 (MANE Select); coding-DNA position 184, A replaced by C.
Protein change: p.Thr62Pro; replaces threonine 62 with proline.
Molecular consequence: missense variant. On other transcripts: non-coding transcript variant (1).
Genome position (GRCh38, 1-based): chr16:20,349,117, T>G on the plus strand (A>C on the coding strand, the complement: UMOD is on the minus strand). VCF-style: chr16-20349117-T-G. GRCh37 (hg19) VCF-style: chr16-20360439-T-G.
Other names: p.Thr62Pro; c.184A>C, p.Thr62Pro (NM_001008389.3, NM_001378232.1, NM_001378233.1 and 3 more transcripts); c.283A>C, p.Thr95Pro (NM_001278614.2); short protein forms T62P, T95P.
Identifiers: ClinVar variation 318297 (VCV000318297.45), dbSNP rs143248111, ClinGen allele CA7939482.